The following is an entry in ClinVar:

NM_024675.4(PALB2):c.3189C>G (p.Ala1063=)

Gene: PALB2 (partner and localizer of BRCA2; minus strand). Cytogenetic location: 16p12.2.
Variant type: single nucleotide variant.
Coding change: c.3189C>G on transcript NM_024675.4 (MANE Select); coding-DNA position 3189, C replaced by G.
Protein change: p.Ala1063=; no amino-acid change (alanine 1063 retained).
Molecular consequence: synonymous variant. On other transcripts: intron variant (3).
Genome position (GRCh38, 1-based): chr16:23,614,016, G>C on the plus strand (C>G on the coding strand, the complement: PALB2 is on the minus strand). VCF-style: chr16-23614016-G-C. GRCh37 (hg19) VCF-style: chr16-23625337-G-C.
Other names: c.3129C>G, p.Ala1043= (NM_001407296.1); c.3117C>G, p.Ala1039= (NM_001407297.1); c.3027C>G, p.Ala1009= (NM_001407298.1, NM_001407302.1); c.2910C>G, p.Ala970= (NM_001407300.1); c.3189C>G, p.Ala1063= (NM_001407301.1); c.2304C>G, p.Ala768= (NM_001407304.1, NM_001407305.1, NM_001407306.1 and 2 more transcripts); c.2142C>G, p.Ala714= (NM_001407307.1); c.1401C>G, p.Ala467= (NM_001407312.1, NM_001407313.1); and 3 more.
Identifiers: ClinVar variation 1728610 (VCV001728610.6), dbSNP rs2142298779, ClinGen allele CA494177493.

ClinVar aggregate classification (germline): Benign/Likely benign. Review status: criteria provided, multiple submitters, no conflicts (2 of 4 stars). 3 submissions from 3 submitters: Benign (1); Likely benign (2). Last evaluated 2025-01-21.

Conditions:
Hereditary cancer-predisposing syndrome. Also called: Tumor predisposition; Neoplastic Syndromes, Hereditary; Hereditary Cancer Syndrome; Hereditary neoplastic syndrome. Identifiers: Orphanet 140162, MedGen C0027672, MeSH D009386, MONDO:0015356.
Familial cancer of breast. Also called: Hereditary breast cancer; BREAST CANCER, FAMILIAL; hereditary breast carcinoma. Identifiers: Orphanet 227535, MedGen C0346153, MONDO:0016419, OMIM 114480. Disease mechanism: loss of function.

Submissions (3):

Myriad Genetics, Inc.
Classification: Benign for Familial cancer of breast. Last evaluated: 2025-01-21. Review status: criteria provided, single submitter. Criteria: Myriad Autosomal Dominant, Autosomal Recessive and X-Linked Classification Criteria (2023). Collection method: clinical testing. Allele origin: unknown.
Comment: This variant is considered benign. This variant is a silent/synonymous amino acid change and it is not expected to impact splicing.

Labcorp Genetics (formerly Invitae), Labcorp
Classification: Likely benign for Familial cancer of breast. Last evaluated: 2022-12-16. Review status: criteria provided, single submitter. Criteria: Invitae Variant Classification Sherloc (09022015). Collection method: clinical testing. Allele origin: germline.

Ambry Genetics
Classification: Likely benign for Hereditary cancer-predisposing syndrome. Last evaluated: 2019-04-24. Review status: criteria provided, single submitter. Criteria: Ambry Variant Classification Scheme 2023. Collection method: clinical testing. Allele origin: germline.